The following is an entry in ClinVar:

ClinVar aggregate classification (germline): Conflicting classifications of pathogenicity. Review status: criteria provided, conflicting classifications (1 of 4 stars). 3 submissions from 3 submitters: Uncertain significance (1); Likely benign (1). 1 of the submissions does not count toward it. Last evaluated 2024-05-17.

Conditions:
HEMOGLOBIN DEER LODGE.

Allele frequency attached by ClinVar (database versions not stated): gnomAD exomes below 0.00001; ExAC 0.00001; TOPMed 0.00001.
gnomAD v4.1: 3 of 1,597,836 alleles (0.00019%); highest among the groups gnomAD compares: Non-Finnish European, 0.00026%; no homozygotes.

Submissions (3):

ARUP Laboratories, Molecular Genetics and Genomics, ARUP Laboratories
Classification: Likely benign. Last evaluated: 2024-05-17. Review status: criteria provided, single submitter. Criteria: ARUP Molecular Germline Variant Investigation Process 2024. Collection method: clinical testing. Allele origin: germline.
Comment: The Hb Deer Lodge variant (HBB: c.8A>G; p.His3Arg, also known as His2Arg when numbered from the mature protein; rs33983205) is reported in the literature in heterozygous individuals with normal hematology and in an individual heterozygous for Hb S without clinical symptoms (HbVar database and references therein). Functional characterizations indicate the Hb Deer Lodge variant has a slightly decreased Bohr Effect and cooperativity, and increased oxygen affinity at acidic and basic pH, but these effects are attenuated at physiological pH and in the presence of organic phosphates (Bonaventura 1975). This variant is reported in ClinVar (Variation ID: 15156) and is found on a single chromosome (1/251140 alleles) in the Genome Aggregation Database. Computational analyses are uncertain whether this variant is neutral or deleterious (REVEL: 0.545). Based on available information, the variant is considered likely benign. References: Link to HbVar database: Bonaventura J et al. Hemoglobin Deer Lodge (beta 2 His replaced by Arg). Consequences of altering the 2,3-diphosphoglycerate binding site. J Biol Chem. 1975 Dec 25;250(24):9250-5. PMID: 393

Quest Diagnostics Nichols Institute San Juan Capistrano
Classification: Uncertain significance. Last evaluated: 2023-06-18. Review status: criteria provided, single submitter. Criteria: Quest Diagnostics criteria. Collection method: clinical testing. Allele origin: unknown.
Comment: The HBB c.8A>G (p.His3Arg) variant (also known as Hb Deer Lodge) has been reported to have normal stability with slightly increased oxygen affinity and decreased cooperativity (PMID: 393 (1975)). Individuals who are heterozygous for this variant have a normal clinical presentation (), and PMIDs: 3384712 (1988), 1052174 (1976)). Co-occurrence of this variant with Hb S present with simple sickle cell trait (PMID: 1052174 (1976)). Based on the available information, we are unable to determine the clinical significance of this variant.

OMIM
Classification: other for HEMOGLOBIN DEER LODGE. Last evaluated: 2017-12-12. Review status: no assertion criteria provided. Collection method: literature only. Allele origin: germline. Not counted in ClinVar's aggregate classification.

Literature cited by the submitters: PubMed 3384712 (cited by Quest Diagnostics Nichols Institute San Juan Capistrano and OMIM); PubMed 1052174 (cited by Quest Diagnostics Nichols Institute San Juan Capistrano and OMIM); PubMed 393 (cited by Quest Diagnostics Nichols Institute San Juan Capistrano); PubMed 5022448 (cited by Quest Diagnostics Nichols Institute San Juan Capistrano and OMIM).

NM_000518.4(HBB):c.8A>G (p.His3Arg)

Genes: HBB (hemoglobin subunit beta; minus strand), LOC106099062 (HBB recombination region; plus strand), LOC107133510 (origin of replication at HBB; plus strand). Cytogenetic location: 11p15.4.
Variant type: single nucleotide variant.
Coding change: c.8A>G on transcript NM_000518.4; coding-DNA position 8, A replaced by G.
Protein change: p.His3Arg; replaces histidine 3 with arginine.
Molecular consequence: missense variant (on NM_000518.5).
Genome position (GRCh38, 1-based): chr11:5,227,014, T>C on the plus strand (A>G on the coding strand, the complement: HBB is on the minus strand). VCF-style: chr11-5227014-T-C. GRCh37 (hg19) VCF-style: chr11-5248244-T-C.
Other names: H2R; c.8A>G, p.His3Arg (NM_000518.5); short protein forms H3R.
Identifiers: ClinVar variation 15156 (VCV000015156.11), dbSNP rs33983205, ClinGen allele CA124828.